The following is an entry in ClinVar:

ClinVar aggregate classification (germline): Uncertain significance. Review status: criteria provided, multiple submitters, no conflicts (2 of 4 stars). 2 submissions from 2 submitters: Uncertain significance (2). Last evaluated 2023-12-21.

Conditions:
Familial cancer of breast. Also called: Hereditary breast cancer; BREAST CANCER, FAMILIAL; hereditary breast carcinoma. Identifiers: Orphanet 227535, MedGen C0346153, MONDO:0016419, OMIM 114480. Disease mechanism: loss of function.
Hereditary cancer-predisposing syndrome. Also called: Hereditary neoplastic syndrome; Neoplastic Syndromes, Hereditary; Hereditary Cancer Syndrome; Tumor predisposition. Identifiers: Orphanet 140162, MedGen C0027672, MeSH D009386, MONDO:0015356.

Submissions (2):

Ambry Genetics
Classification: Uncertain significance for Hereditary cancer-predisposing syndrome. Last evaluated: 2023-12-21. Review status: criteria provided, single submitter. Criteria: Ambry Variant Classification Scheme 2023. Collection method: clinical testing. Allele origin: germline.
Comment: The c.909-5T>A intronic variant results from a T to A substitution 5 nucleotides upstream from coding exon 8 in the CHEK2 gene. This nucleotide position is highly conserved in available vertebrate species. In silico splice site analysis predicts that this alteration may weaken the native splice acceptor site and will result in the creation or strengthening of a novel splice acceptor site. Since supporting evidence is limited at this time, the clinical significance of this alteration remains unclear.

Labcorp Genetics (formerly Invitae), Labcorp
Classification: Uncertain significance for Familial cancer of breast. Last evaluated: 2020-12-31. Review status: criteria provided, single submitter. Criteria: Invitae Variant Classification Sherloc (09022015). Collection method: clinical testing. Allele origin: germline.
Comment: In summary, the available evidence is currently insufficient to determine the role of this variant in disease. Therefore, it has been classified as a Variant of Uncertain Significance. Algorithms developed to predict the effect of sequence changes on RNA splicing suggest that this variant may disrupt the consensus splice site, but this prediction has not been confirmed by published transcriptional studies. This variant has not been reported in the literature in individuals with CHEK2-related conditions. This variant is not present in population databases (ExAC no frequency). This sequence change falls in intron 8 of the CHEK2 gene. It does not directly change the encoded amino acid sequence of the CHEK2 protein.

NM_007194.4(CHEK2):c.909-5T>A

Gene: CHEK2 (checkpoint kinase 2; minus strand). Cytogenetic location: 22q12.1.
Variant type: single nucleotide variant.
Coding change: c.909-5T>A on transcript NM_007194.4 (MANE Select); 5 bases into the intron before coding-DNA position 909, T replaced by A.
Molecular consequence: intron variant.
Genome position (GRCh38, 1-based): chr22:28,699,942, A>T on the plus strand (T>A on the coding strand, the complement: CHEK2 is on the minus strand). VCF-style: chr22-28699942-A-T. GRCh37 (hg19) VCF-style: chr22-29095930-A-T.
Other names: c.246-5T>A (NM_001437942.1, NM_001257387.3); c.708-5T>A (NM_001349956.3); c.909-5T>A (NM_145862.3); c.1002-5T>A (NM_001438295.1, NM_001438293.1); c.1038-5T>A (NM_001438294.1, NM_001005735.3).
Identifiers: ClinVar variation 1484070 (VCV001484070.10), dbSNP rs2145845414, ClinGen allele CA2573158032.